The following is an entry in ClinVar:

ClinVar aggregate classification (germline): Likely benign. Review status: criteria provided, multiple submitters, no conflicts (2 of 4 stars). 2 submissions from 2 submitters: Likely benign (2). Last evaluated 2024-09-01.

Conditions:
Developmental and epileptic encephalopathy, 54. Also called: Epileptic encephalopathy, early infantile, 54; HNRNPU-Related Neurodevelopmental Disorder. Identifiers: MedGen C4479319, MONDO:0033363, OMIM 617391.

Allele frequency attached by ClinVar (database versions not stated): gnomAD exomes below 0.00001; gnomAD 0.00001.
gnomAD v4.1: 5 of 1,613,686 alleles (0.00031%); highest among the groups gnomAD compares: African/African-American, 0.0027%; no homozygotes.

Submissions (2):

CeGaT Center for Human Genetics Tuebingen
Classification: Likely benign. Last evaluated: 2024-09-01. Review status: criteria provided, single submitter. Criteria: CeGaT Center For Human Genetics Tuebingen Variant Classification Criteria Version 2. Collection method: clinical testing. Allele origin: germline. Affected: yes. Observed: 1 variant allele.
Comment: HNRNPU: BP4, BP7

Labcorp Genetics (formerly Invitae), Labcorp
Classification: Likely benign for Developmental and epileptic encephalopathy, 54. Last evaluated: 2019-04-02. Review status: criteria provided, single submitter. Criteria: Invitae Variant Classification Sherloc (09022015). Collection method: clinical testing. Allele origin: germline.

NM_031844.3(HNRNPU):c.402C>T (p.Asp134=)

Gene: HNRNPU (heterogeneous nuclear ribonucleoprotein U; minus strand). Cytogenetic location: 1q44.
Variant type: single nucleotide variant.
Coding change: c.402C>T on transcript NM_031844.3 (MANE Select); coding-DNA position 402, C replaced by T.
Protein change: p.Asp134=; no amino-acid change (aspartic acid 134 retained).
Molecular consequence: synonymous variant.
Genome position (GRCh38, 1-based): chr1:244,863,906, G>A on the plus strand (C>T on the coding strand, the complement: HNRNPU is on the minus strand). VCF-style: chr1-244863906-G-A. GRCh37 (hg19) VCF-style: chr1-245027208-G-A.
Other names: c.402C>T, p.Asp134= (NM_004501.3).
Identifiers: ClinVar variation 1156332 (VCV001156332.23), dbSNP rs1263252282, ClinGen allele CA424403224.